The following is an entry in ClinVar:

NM_000059.4(BRCA2):c.3113A>T (p.Tyr1038Phe)

Gene: BRCA2 (BRCA2 DNA repair associated; plus strand). Cytogenetic location: 13q13.1.
Variant type: single nucleotide variant.
Coding change: c.3113A>T on transcript NM_000059.4 (MANE Select); coding-DNA position 3113, A replaced by T.
Protein change: p.Tyr1038Phe; replaces tyrosine 1038 with phenylalanine.
Molecular consequence: missense variant. On other transcripts: non-coding transcript variant (1), intron variant (2).
Genome position (GRCh38, 1-based): chr13:32,337,468, A>T. VCF-style: chr13-32337468-A-T. GRCh37 (hg19) VCF-style: chr13-32911605-A-T.
Other names: c.3113A>T, p.Tyr1038Phe (NM_001406719.1, NM_001406720.1); c.1909+4081A>T (NM_001406721.1); c.424+6438A>T (NM_001406722.1); short protein forms Y1038F.
Identifiers: ClinVar variation 2844930 (VCV002844930.3), dbSNP rs876659602, ClinGen allele CA387775445.
Genomic context (GRCh38, chr13:32,337,468, plus strand): 5'-AGCTCTCTGAACATAACATTAAGAAGAGCAAAATGTTCTTCAAAGATATTGAAGAACAAT[A>T]TCCTACTAGTTTAGCTTGTGTTGAAATTGTAAATACCTTGGCATTAGATAATCAAAAGAA-3'
Protein context (NP_000050.3, residues 1028-1048): KMFFKDIEEQ[Tyr1038Phe]PTSLACVEIV

ClinVar aggregate classification (germline): Uncertain significance (1 of 4 stars; one submission).

Conditions:
Hereditary breast ovarian cancer syndrome. Also called: Hereditary breast and ovarian cancer syndrome (HBOC); Breast and ovarian cancer; BRCA1- and BRCA2-Associated Hereditary Breast and Ovarian Cancer; Hereditary breast and ovarian cancer syndrome; Hereditary breast and ovarian cancer; Hereditary breast and/or ovarian cancer syndrome. Identifiers: Orphanet 145, MedGen C0677776, MeSH D061325, MONDO:0003582. Disease mechanism: loss of function.

Submission:

Labcorp Genetics (formerly Invitae), Labcorp
Classification: Uncertain significance for Hereditary breast ovarian cancer syndrome. Last evaluated: 2023-03-11. Review status: criteria provided, single submitter. Criteria: Invitae Variant Classification Sherloc (09022015). Collection method: clinical testing. Allele origin: germline.
Comment: In summary, the available evidence is currently insufficient to determine the role of this variant in disease. Therefore, it has been classified as a Variant of Uncertain Significance. Advanced modeling of protein sequence and biophysical properties (such as structural, functional, and spatial information, amino acid conservation, physicochemical variation, residue mobility, and thermodynamic stability) performed at Invitae indicates that this missense variant is not expected to disrupt BRCA2 protein function. This variant has not been reported in the literature in individuals affected with BRCA2-related conditions. This variant is not present in population databases (gnomAD no frequency). This sequence change replaces tyrosine, which is neutral and polar, with phenylalanine, which is neutral and non-polar, at codon 1038 of the BRCA2 protein (p.Tyr1038Phe).